The following is an entry in ClinVar:

NM_004360.5(CDH1):c.2221T>C (p.Leu741=)

Gene: CDH1 (cadherin 1; plus strand). Cytogenetic location: 16q22.1.
Variant type: single nucleotide variant.
Coding change: c.2221T>C on transcript NM_004360.5 (MANE Select); coding-DNA position 2221, T replaced by C.
Protein change: p.Leu741=; no amino-acid change (leucine 741 retained).
Molecular consequence: synonymous variant.
Genome position (GRCh38, 1-based): chr16:68,828,230, T>C. VCF-style: chr16-68828230-T-C. GRCh37 (hg19) VCF-style: chr16-68862133-T-C.
Other names: c.2221T>C (LRG_301t1, NM_004360.4); c.2038T>C, p.Leu680= (NM_001317184.2); c.673T>C, p.Leu225= (NM_001317185.2); c.256T>C, p.Leu86= (NM_001317186.2).
Identifiers: ClinVar variation 463751 (VCV000463751.21), dbSNP rs772531531, ClinGen allele CA8130231.

ClinVar aggregate classification (germline): Benign/Likely benign. Review status: criteria provided, multiple submitters, no conflicts (2 of 4 stars). 5 submissions from 5 submitters: Benign (1); Likely benign (3). 1 of the submissions does not count toward it. Last evaluated 2025-06-09.

Conditions:
CDH1-related disorder. Also called: CDH1-related condition.
Hereditary cancer-predisposing syndrome. Also called: Hereditary neoplastic syndrome; Neoplastic Syndromes, Hereditary; Tumor predisposition; Hereditary Cancer Syndrome. Identifiers: Orphanet 140162, MedGen C0027672, MeSH D009386, MONDO:0015356.
Hereditary diffuse gastric adenocarcinoma (HDGC). Also called: DIFFUSE GASTRIC AND LOBULAR BREAST CANCER SYNDROME. Identifiers: Orphanet 26106, MedGen C1708349, MONDO:0007648, OMIM 137215.

Allele frequency attached by ClinVar (database versions not stated): gnomAD exomes below 0.00001 and 0.00001; ExAC 0.00001; TOPMed 0.00002.
gnomAD v4.1: 2 of 1,614,064 alleles (0.00012%); highest among the groups gnomAD compares: Admixed American, 0.0033%; no homozygotes.

Submissions (5):

Labcorp Genetics (formerly Invitae), Labcorp
Classification: Likely benign for Hereditary diffuse gastric adenocarcinoma. Last evaluated: 2025-06-09. Review status: criteria provided, single submitter. Criteria: Invitae Variant Classification Sherloc (09022015). Collection method: clinical testing. Allele origin: germline.

Myriad Genetics, Inc.
Classification: Benign for Hereditary diffuse gastric adenocarcinoma. Last evaluated: 2024-09-20. Review status: criteria provided, single submitter. Criteria: Myriad Autosomal Dominant, Autosomal Recessive and X-Linked Classification Criteria (2023). Collection method: clinical testing. Allele origin: unknown.
Comment: This variant is considered benign. This variant is a silent/synonymous amino acid change and it is not expected to impact splicing.

GeneDx
Classification: Likely benign. Last evaluated: 2019-09-23. Review status: criteria provided, single submitter. Criteria: GeneDx Variant Classification Process June 2021. Collection method: clinical testing. Allele origin: germline. Affected: yes.

Ambry Genetics
Classification: Likely benign for Hereditary cancer-predisposing syndrome. Last evaluated: 2017-06-06. Review status: criteria provided, single submitter. Criteria: Ambry Variant Classification Scheme 2023. Collection method: clinical testing. Allele origin: germline.

PreventionGenetics, part of Exact Sciences
Classification: Likely benign for CDH1-related condition. Last evaluated: 2022-08-04. Review status: no assertion criteria provided. Collection method: clinical testing. Allele origin: germline. Not counted in ClinVar's aggregate classification.
Comment: This variant is classified as likely benign based on ACMG/AMP sequence variant interpretation guidelines (Richards et al. 2015 PMID: 25741868, with internal and published modifications).